The following is an entry in ClinVar:

ClinVar aggregate classification (germline): Uncertain significance (1 of 4 stars; one submission).

Conditions:
Leukocyte adhesion deficiency type II. Also called: CONGENITAL DISORDER OF GLYCOSYLATION, TYPE IIc; CDG IIc; Congenital disorder of glycosylation type 2C; CDG 2C; Leukocyte adhesion deficiency type 2; Rambam Hasharon syndrome. Identifiers: Orphanet 2968, Orphanet 99843, MedGen C0398739, MONDO:0009953, OMIM 266265.

Allele frequency attached by ClinVar (database versions not stated): gnomAD exomes below 0.00001.

Submission:

Labcorp Genetics (formerly Invitae), Labcorp
Classification: Uncertain significance for Leukocyte adhesion deficiency type II. Last evaluated: 2019-02-13. Review status: criteria provided, single submitter. Criteria: Invitae Variant Classification Sherloc (09022015). Collection method: clinical testing. Allele origin: germline.
Comment: In summary, the available evidence is currently insufficient to determine the role of this variant in disease. Therefore, it has been classified as a Variant of Uncertain Significance. Algorithms developed to predict the effect of missense changes on protein structure and function (SIFT, PolyPhen-2, Align-GVGD) all suggest that this variant is likely to be disruptive, but these predictions have not been confirmed by published functional studies and their clinical significance is uncertain. This variant has not been reported in the literature in individuals with SLC35C1-related conditions. This variant is not present in population databases (ExAC no frequency). This sequence change replaces serine with leucine at codon 299 of the SLC35C1 protein (p.Ser299Leu). The serine residue is highly conserved and there is a large physicochemical difference between serine and leucine.

NM_018389.5(SLC35C1):c.896C>T (p.Ser299Leu)

Gene: SLC35C1 (solute carrier family 35 member C1; plus strand). Cytogenetic location: 11p11.2.
Variant type: single nucleotide variant.
Coding change: c.896C>T on transcript NM_018389.5 (MANE Select); coding-DNA position 896, C replaced by T.
Protein change: p.Ser299Leu; replaces serine 299 with leucine.
Molecular consequence: missense variant.
Genome position (GRCh38, 1-based): chr11:45,811,136, C>T. VCF-style: chr11-45811136-C-T. GRCh37 (hg19) VCF-style: chr11-45832687-C-T.
Other names: c.857C>T, p.Ser286Leu (NM_001145265.2, NM_001145266.2); short protein forms S286L, S299L.
Identifiers: ClinVar variation 849958 (VCV000849958.9), dbSNP rs2085940384, ClinGen allele CA380206637.
Genomic context (GRCh38, chr11:45,811,136, plus strand): 5'-CCATCGGCTACGTGACAGGACTGCAGATCAAGTTCACCAGTCCGCTGACCCACAATGTGT[C>T]GGGCACGGCCAAGGCCTGTGCCCAGACAGTGCTGGCCGTGCTCTACTACGAGGAGACCAA-3'
Protein context (NP_060859.4, residues 289-309): KFTSPLTHNV[Ser299Leu]GTAKACAQTV